The following is an entry in ClinVar:

ClinVar aggregate classification (germline): Pathogenic (1 of 4 stars; one submission).

Submission:

Labcorp Genetics (formerly Invitae), Labcorp
Classification: Pathogenic. Last evaluated: 2024-10-22. Review status: criteria provided, single submitter. Criteria: Invitae Variant Classification Sherloc (09022015). Collection method: clinical testing. Allele origin: germline.
Comment: This sequence change creates a premature translational stop signal (p.Asn164Thrfs*6) in the MDH2 gene. It is expected to result in an absent or disrupted protein product. Loss-of-function variants in MDH2 are known to be pathogenic (PMID: 27989324). This variant is not present in population databases (gnomAD no frequency). This variant has not been reported in the literature in individuals affected with MDH2-related conditions. For these reasons, this variant has been classified as Pathogenic.

Literature cited by the submitters: PubMed 27989324.

NM_005918.4(MDH2):c.489del (p.Asn164fs)

Gene: MDH2 (malate dehydrogenase 2; plus strand). Cytogenetic location: 7q11.23.
Variant type: Deletion.
Coding change: c.489del on transcript NM_005918.4 (MANE Select); coding-DNA position 489, one base deleted (C; older notation c.489delC).
Protein change: p.Asn164fs; shifts the reading frame from asparagine 164.
Molecular consequence: frameshift variant. On other transcripts: intron variant (1).
Genome position (GRCh38, 1-based): chr7:76,060,432, C deleted; the last of 4 consecutive C bases (chr7:76,060,429-76,060,432); deleting any one gives the same sequence. VCF-style (leftmost placement, unchanged base first): chr7-76060428-AC-A. GRCh37 (hg19) VCF-style: chr7-75689746-AC-A.
Other names: c.168del, p.Asn57fs (NM_001282404.2); c.429+2354del (NM_001282403.2); short protein forms N57fs, N164fs.
Identifiers: ClinVar variation 2871161 (VCV002871161.3), dbSNP rs1470974118, ClinGen allele CA842309041.